The following is an entry in ClinVar:

ClinVar aggregate classification (germline): Uncertain significance (1 of 4 stars; one submission).

Conditions:
Inborn genetic diseases. Identifiers: MedGen C0950123, MeSH D030342.

Submission:

Ambry Genetics
Classification: Uncertain significance for Inborn genetic diseases. Last evaluated: 2026-05-27. Review status: criteria provided, single submitter. Criteria: Ambry Variant Classification Scheme 2023. Collection method: clinical testing. Allele origin: germline.
Comment: The p.N666D variant (also known as c.1996A>G), located in coding exon 12 of the BMPR2 gene, results from an A to G substitution at nucleotide position 1996. The asparagine at codon 666 is replaced by aspartic acid, an amino acid with highly similar properties. This amino acid position is conserved. In addition, the in silico prediction for this alteration is inconclusive. Based on the available evidence, the clinical significance of this variant remains unclear.

NM_001204.7(BMPR2):c.1996A>G (p.Asn666Asp)

Gene: BMPR2 (bone morphogenetic protein receptor type 2; plus strand). Cytogenetic location: 2q33.2.
Variant type: single nucleotide variant.
Coding change: c.1996A>G on transcript NM_001204.7 (MANE Select); coding-DNA position 1996, A replaced by G.
Protein change: p.Asn666Asp; replaces asparagine 666 with aspartic acid.
Molecular consequence: missense variant.
Genome position (GRCh38, 1-based): chr2:202,555,661, A>G. VCF-style: chr2-202555661-A-G. GRCh37 (hg19) VCF-style: chr2-203420384-A-G.
Other names: short protein forms N666D.
Identifiers: ClinVar variation 4867644 (VCV004867644.1).